The following is an entry in ClinVar:

ClinVar aggregate classification (germline): Uncertain significance (1 of 4 stars; one submission).

Submission:

GeneDx
Classification: Uncertain significance. Last evaluated: 2017-11-09. Review status: criteria provided, single submitter. Criteria: GeneDx Variant Classification (06012015). Collection method: clinical testing. Allele origin: germline. Affected: yes.
Comment: The c.69 C>T variant has not been published as a pathogenic variant, nor has it been reported as a benign variant to our knowledge. The c.69 C>T variant is not observed in large population cohorts (Lek et al., 2016). Although, in-silico splice prediction models do not predict that c.69 C>T affects splicing, in the absence of RNA/functional studies, the actual effect of this sequence change in this individual is unknown. Therefore, based on the currently available information, it is unclear whether this variant is a pathogenic variant or a rare benign variant.

NM_005654.6(NR2F1):c.69C>T (p.Pro23=)

Genes: NR2F1 (nuclear receptor subfamily 2 group F member 1; plus strand), NR2F1-AS1 (NR2F1 antisense RNA 1; minus strand). Cytogenetic location: 5q15.
Variant type: single nucleotide variant.
Coding change: c.69C>T on transcript NM_005654.6 (MANE Select); coding-DNA position 69, C replaced by T.
Protein change: p.Pro23=; no amino-acid change (proline 23 retained).
Molecular consequence: synonymous variant.
Genome position (GRCh38, 1-based): chr5:93,585,092, C>T. VCF-style: chr5-93585092-C-T. GRCh37 (hg19) VCF-style: chr5-92920798-C-T.
Identifiers: ClinVar variation 453017 (VCV000453017.2), dbSNP rs1554074634, ClinGen allele CA445721997.